The following is an entry in ClinVar:

ClinVar aggregate classification (germline): Uncertain significance (1 of 4 stars; one submission).

Conditions:
Inborn genetic diseases. Identifiers: MedGen C0950123, MeSH D030342.

gnomAD v4.1: 1 of 1,613,502 alleles (0.000062%); highest among the groups gnomAD compares: Non-Finnish European, 0.000085%; no homozygotes.

Submission:

Ambry Genetics
Classification: Uncertain significance for Inborn genetic diseases. Last evaluated: 2024-12-21. Review status: criteria provided, single submitter. Criteria: Ambry Variant Classification Scheme 2023. Collection method: clinical testing. Allele origin: germline.
Comment: The p.Q1448R variant (also known as c.4343A>G), located in coding exon 30 of the ANKRD26 gene, results from an A to G substitution at nucleotide position 4343. The glutamine at codon 1448 is replaced by arginine, an amino acid with highly similar properties. This amino acid position is conserved. In addition, this alteration is predicted to be tolerated by in silico analysis. Based on the available evidence, the clinical significance of this variant remains unclear.

NM_014915.3(ANKRD26):c.4343A>G (p.Gln1448Arg)

Gene: ANKRD26 (ankyrin repeat domain containing 26; minus strand). Cytogenetic location: 10p12.1.
Variant type: single nucleotide variant.
Coding change: c.4343A>G on transcript NM_014915.3 (MANE Select); coding-DNA position 4343, A replaced by G.
Protein change: p.Gln1448Arg; replaces glutamine 1448 with arginine.
Molecular consequence: missense variant.
Genome position (GRCh38, 1-based): chr10:27,017,665, T>C on the plus strand (A>G on the coding strand, the complement: ANKRD26 is on the minus strand). VCF-style: chr10-27017665-T-C. GRCh37 (hg19) VCF-style: chr10-27306594-T-C.
Other names: c.4340A>G, p.Gln1447Arg (NM_001256053.2); short protein forms Q1448R, Q1447R.
Identifiers: ClinVar variation 3869521 (VCV003869521.1).